The following is an entry in ClinVar:

NM_001098.3(ACO2):c.2086G>A (p.Glu696Lys)

Genes: ACO2 (aconitase 2; plus strand), POLR3H (RNA polymerase III subunit H; minus strand). Cytogenetic location: 22q13.2.
Variant type: single nucleotide variant.
Coding change: c.2086G>A on transcript NM_001098.3 (MANE Select); coding-DNA position 2086, G replaced by A.
Protein change: p.Glu696Lys; replaces glutamic acid 696 with lysine.
Molecular consequence: missense variant. On other transcripts: 3 prime UTR variant (5).
Genome position (GRCh38, 1-based): chr22:41,527,420, G>A. VCF-style: chr22-41527420-G-A. GRCh37 (hg19) VCF-style: chr22-41923424-G-A.
Other names: c.*1863C>T (NM_001018050.4, NM_001018052.4, NM_001282884.2 and 2 more transcripts); short protein forms E696K.
Identifiers: ClinVar variation 4879209 (VCV004879209.1).

ClinVar aggregate classification (germline): Uncertain significance (1 of 4 stars; one submission).

Conditions:
Infantile cerebellar-retinal degeneration (ICRD). Identifiers: Orphanet 313850, MedGen C3281192, MONDO:0013802, OMIM 614559.
Optic atrophy 9 (OPA9). Identifiers: MedGen C4225384, MONDO:0014571, OMIM 616289.

gnomAD v4.1: 4 of 1,609,616 alleles (0.00025%); highest among the groups gnomAD compares: East Asian, 0.0022%; no homozygotes.

Submission:

Clinical Genomics Laboratory, Washington University in St. Louis
Classification: Uncertain significance for Optic atrophy 9; Infantile cerebellar-retinal degeneration. Last evaluated: 2026-01-02. Review status: criteria provided, single submitter. Criteria: ACMG Guidelines, 2015. Collection method: clinical testing. Allele origin: germline.
Comment: The ACO2 c.2086G>A (p.Glu696Lys) variant, to our knowledge, has not been reported in the medical literature. This variant is only observed in 1/246,808 alleles in the general population (gnomAD v.2.1.1), indicating it is not a common variant. Computational predictors are uncertain as to the impact of this variant on ACO2 function; however, they indicate that this variant may alter splicing by creating a donor site 10 bp from the position, which might lead to partial intron retention and result in an out-of-frame product, providing evidence that correlates with an impact on ACO2 function. Due to limited information, and based on ACMG/AMP guidelines for variant interpretation (Richards S et al., PMID: 25741868), the clinical significance of this variant is uncertain at this time.